The following is an entry in ClinVar:

ClinVar aggregate classification (germline): Benign/Likely benign. Review status: criteria provided, multiple submitters, no conflicts (2 of 4 stars). 7 submissions from 7 submitters: Benign (3); Likely benign (3). 1 of the submissions does not count toward it. Last evaluated 2026-02-01.

Conditions:
Wagner disease. Also called: Wagner syndrome; Wagner Vitreoretinal Degeneration (Wagner Synrdome); HYALOIDEORETINAL DEGENERATION OF WAGNER; WAGNER SYNDROME 1; WAGNER VITREORETINAL DEGENERATION; WAGNER VITREORETINOPATHY. Identifiers: Orphanet 898, MedGen C1840452, MONDO:0007740, OMIM 143200.
Vitreoretinopathy. Also called: Vitreoretinal degeneration. Identifiers: MedGen C0344290, MONDO:0020248, HP:0007773.

Allele frequency attached by ClinVar (database versions not stated): 1000 Genomes Project 0.00100; 1000 Genomes Project 30x 0.00125; ESP Exome Variant Server 0.00138; ExAC 0.00160; gnomAD exomes 0.00161 and 0.00204; gnomAD 0.00174 and 0.00182; TOPMed 0.00198.
gnomAD v4.1: 3,304 of 1,613,904 alleles (0.2%); highest among the groups gnomAD compares: Non-Finnish European, 0.23%; 10 homozygotes.

Submissions (7):

Labcorp Genetics (formerly Invitae), Labcorp
Classification: Benign. Last evaluated: 2026-02-01. Review status: criteria provided, single submitter. Criteria: Invitae Variant Classification Sherloc (09022015). Collection method: clinical testing. Allele origin: germline.

Blueprint Genetics
Classification: Likely benign. Last evaluated: 2024-11-25. Review status: criteria provided, single submitter. Criteria: ACMG Guidelines, 2015. Collection method: clinical testing. Allele origin: germline.

CeGaT Center for Human Genetics Tuebingen
Classification: Benign. Last evaluated: 2022-10-01. Review status: criteria provided, single submitter. Criteria: CeGaT Center For Human Genetics Tuebingen Variant Classification Criteria Version 2. Collection method: clinical testing. Allele origin: germline. Affected: yes. Observed: 1 variant allele.
Comment: VCAN: BS1, BS2

Illumina Laboratory Services, Illumina
Classification: Benign for Vitreoretinopathy. Last evaluated: 2018-01-13. Review status: criteria provided, single submitter. Criteria: ICSL Variant Classification Criteria 13 December 2019. Collection method: clinical testing. Allele origin: germline.
Comment: This variant was observed in the ICSL laboratory as part of a predisposition screen in an ostensibly healthy population. It had not been previously curated by ICSL or reported in the Human Gene Mutation Database (HGMD: prior to June 1st, 2018), and was therefore a candidate for classification through an automated scoring system. Utilizing variant allele frequency, disease prevalence and penetrance estimates, and inheritance mode, an automated score was calculated to assess if this variant is too frequent to cause the disease. Based on the score and internal cut-off values, a variant classified as benign is not then subjected to further curation. The score for this variant resulted in a classification of benign for this disease.

Clinical Genetics DNA and cytogenetics Diagnostics Lab, Erasmus MC, Erasmus Medical Center
Classification: Likely benign for Wagner disease. Last evaluated: 2017-06-28. Review status: criteria provided, single submitter. Criteria: ACGS Guidelines, 2013. Collection method: clinical testing. Allele origin: germline. Affected: yes. Study: VKGL Data-share Consensus.

Breakthrough Genomics
Classification: Likely benign. Review status: criteria provided, single submitter. Criteria: ACMG Guidelines, 2015. Collection method: not provided. Allele origin: germline. Inheritance: Autosomal dominant inheritance. Affected: yes.

Clinical Genetics, Academic Medical Center
Classification: Benign. Review status: no assertion criteria provided. Collection method: clinical testing. Allele origin: germline. Affected: yes. Study: VKGL Data-share Consensus. Not counted in ClinVar's aggregate classification.

NM_004385.5(VCAN):c.7551C>T (p.Asp2517=)

Genes: VCAN (versican; plus strand), VCAN-AS1 (VCAN antisense RNA 1; minus strand). Cytogenetic location: 5q14.3.
Variant type: single nucleotide variant.
Coding change: c.7551C>T on transcript NM_004385.5 (MANE Select); coding-DNA position 7551, C replaced by T.
Protein change: p.Asp2517=; no amino-acid change (aspartic acid 2517 retained).
Molecular consequence: synonymous variant. On other transcripts: intron variant (2).
Genome position (GRCh38, 1-based): chr5:83,540,554, C>T. VCF-style: chr5-83540554-C-T. GRCh37 (hg19) VCF-style: chr5-82836373-C-T.
Other names: c.4590C>T, p.Asp1530= (NM_001164097.2); c.4004-4983C>T (NM_001164098.2); c.1043-4983C>T (NM_001126336.3).
Identifiers: ClinVar variation 354444 (VCV000354444.43), dbSNP rs77870162, ClinGen allele CA3333660.